The following is an entry in ClinVar:

ClinVar aggregate classification (germline): Uncertain significance (1 of 4 stars; one submission).

gnomAD v4.1: 5 of 1,574,398 alleles (0.00032%); highest among the groups gnomAD compares: African/African-American, 0.0014%; no homozygotes.

Submission:

Women's Health and Genetics/Laboratory Corporation of America, LabCorp
Classification: Uncertain significance. Last evaluated: 2025-07-16. Review status: criteria provided, single submitter. Criteria: LabCorp Variant Classification Summary - May 2015. Collection method: clinical testing. Allele origin: germline.
Comment: Variant summary: WAC c.1874+6T>G alters a non-conserved nucleotide located close to a canonical splice site and therefore could affect mRNA splicing, leading to a significantly altered protein sequence. Consensus agreement among computation tools predict no significant impact on normal splicing. However, these predictions have yet to be confirmed by functional studies. The variant was absent in 213442 control chromosomes. The available data on variant occurrences in the general population are insufficient to allow any conclusion about variant significance. To our knowledge, no occurrence of c.1874+6T>G in individuals affected with Desanto-Shinawi Syndrome and no experimental evidence demonstrating its impact on protein function have been reported. No submitters have cited clinical-significance assessments for this variant to ClinVar. Based on the evidence outlined above, the variant was classified as uncertain significance.

NM_016628.5(WAC):c.1874+6T>G

Gene: WAC (WW domain containing adaptor with coiled-coil; plus strand). Cytogenetic location: 10p12.1.
Variant type: single nucleotide variant.
Coding change: c.1874+6T>G on transcript NM_016628.5 (MANE Select); 6 bases into the intron after coding-DNA position 1874, T replaced by G.
Molecular consequence: intron variant.
Genome position (GRCh38, 1-based): chr10:28,617,790, T>G. VCF-style: chr10-28617790-T-G. GRCh37 (hg19) VCF-style: chr10-28906719-T-G.
Other names: c.1739+6T>G (NM_100264.3); c.1565+6T>G (NM_100486.4).
Identifiers: ClinVar variation 4525853 (VCV004525853.1).